The following is an entry in ClinVar:

NM_001242896.3(DEPDC5):c.1A>G (p.Met1Val)

Gene: DEPDC5 (DEP domain containing 5, GATOR1 subcomplex subunit; plus strand). Cytogenetic location: 22q12.2.
Variant type: single nucleotide variant.
Coding change: c.1A>G on transcript NM_001242896.3 (MANE Select); coding-DNA position 1, A replaced by G.
Protein change: p.Met1Val; changes the start codon (methionine 1).
Molecular consequence: missense variant, initiator codon variant. On other transcripts: non-coding transcript variant (5).
Genome position (GRCh38, 1-based): chr22:31,754,922, A>G. VCF-style: chr22-31754922-A-G. GRCh37 (hg19) VCF-style: chr22-32150908-A-G.
Other names: c.1A>G, p.Met1Val (NM_001007188.4, NM_001136029.4, NM_001242897.2 and 9 more transcripts); short protein forms M1V.
Identifiers: ClinVar variation 1521441 (VCV001521441.8), dbSNP rs2147930155, ClinGen allele CA411277771.

ClinVar aggregate classification (germline): Uncertain significance (1 of 4 stars; one submission).

Conditions:
Familial focal epilepsy with variable foci (FPEVF). Identifiers: Orphanet 98820, MedGen C1858477, MONDO:0020310.

Submission:

Labcorp Genetics (formerly Invitae), Labcorp
Classification: Uncertain significance for Familial focal epilepsy with variable foci. Last evaluated: 2023-08-07. Review status: criteria provided, single submitter. Criteria: Invitae Variant Classification Sherloc (09022015). Collection method: clinical testing. Allele origin: germline.
Comment: In summary, the available evidence is currently insufficient to determine the role of this variant in disease. Therefore, it has been classified as a Variant of Uncertain Significance. Algorithms developed to predict the effect of sequence changes on RNA splicing suggest that this variant may disrupt the consensus splice site. ClinVar contains an entry for this variant (Variation ID: 1521441). This variant has not been reported in the literature in individuals affected with DEPDC5-related conditions. This variant is not present in population databases (gnomAD no frequency). This sequence change affects the initiator methionine of the DEPDC5 mRNA. The next in-frame methionine is located at codon 114.